The following is an entry in ClinVar:

ClinVar aggregate classification (germline): Pathogenic (3 of 4 stars; one submission).

Conditions:
Lynch syndrome. Identifiers: Orphanet 144, MedGen C4552100, MONDO:0005835. Disease mechanism: loss of function.

Submission:

International Society for Gastrointestinal Hereditary Tumours (InSiGHT)
Classification: Pathogenic for Lynch Syndrome. Last evaluated: 2013-09-05. Review status: reviewed by expert panel. Criteria: Guidelines v1.9. Collection method: research. Allele origin: germline.
Comment: Large deletion

Classified with v1.9 guidelines

NM_000535.5(PMS2):c.(?_-87)_(*160_?)del

Gene: PMS2 (PMS1 homolog 2, mismatch repair system component; minus strand).
Variant type: Deletion.
Coding change: c.(?_-87)_(*160_?)del on transcript NM_000535.5; a large deletion whose breakpoints are not mapped to the base.
Other names: c.(?_-87)_(*160_?)del (LRG_161t1).
Identifiers: ClinVar variation 91274 (VCV000091274.2).